The following is an entry in ClinVar:

ClinVar aggregate classification (germline): Uncertain significance (1 of 4 stars; one submission).

Conditions:
Neurofibromatosis, type 1 (NF1). Also called: VON RECKLINGHAUSEN DISEASE; Peripheral type neurofibromatosis; NEUROFIBROMATOSIS, TYPE I, SOMATIC; Neurofibromatosis, type I. Identifiers: Orphanet 636, MedGen C0027831, MONDO:0018975, OMIM 162200. Disease mechanism: loss of function.

Submission:

Labcorp Genetics (formerly Invitae), Labcorp
Classification: Uncertain significance for Neurofibromatosis, type 1. Last evaluated: 2025-10-10. Review status: criteria provided, single submitter. Criteria: Invitae Variant Classification Sherloc (09022015). Collection method: clinical testing. Allele origin: germline.
Comment: This sequence change falls in intron 29 of the NF1 gene. It does not directly change the encoded amino acid sequence of the NF1 protein. It affects a nucleotide within the consensus splice site. This variant is not present in population databases (gnomAD no frequency). This variant has not been reported in the literature in individuals affected with NF1-related conditions. Variants that disrupt the consensus splice site are a relatively common cause of aberrant splicing (PMID: 17576681, 9536098). Algorithms developed to predict the effect of sequence changes on RNA splicing suggest that this variant may disrupt the consensus splice site. In summary, the available evidence is currently insufficient to determine the role of this variant in disease. Therefore, it has been classified as a Variant of Uncertain Significance.

Literature cited by the submitters: PubMed 17576681; PubMed 9536098.

NM_001042492.3(NF1):c.3975-3T>G

Gene: NF1 (neurofibromin 1; plus strand). Cytogenetic location: 17q11.2.
Variant type: single nucleotide variant.
Coding change: c.3975-3T>G on transcript NM_001042492.3 (MANE Select); 3 bases into the intron before coding-DNA position 3975, T replaced by G.
Molecular consequence: intron variant.
Genome position (GRCh38, 1-based): chr17:31,248,981, T>G. VCF-style: chr17-31248981-T-G. GRCh37 (hg19) VCF-style: chr17-29575999-T-G.
Other names: c.3975-3T>G (NM_000267.4).
Identifiers: ClinVar variation 4728895 (VCV004728895.1).